The following is an entry in ClinVar:

ClinVar aggregate classification (germline): Benign/Likely benign. Review status: criteria provided, multiple submitters, no conflicts (2 of 4 stars). 2 submissions from 2 submitters: Benign (1); Likely benign (1). Last evaluated 2025-09-02.

Allele frequency attached by ClinVar (database versions not stated): ESP Exome Variant Server 0.00033; 1000 Genomes Project 30x 0.00047; 1000 Genomes Project 0.00060; gnomAD 0.00186 and 0.00195; ExAC 0.00236.
gnomAD v4.1: 1,877 of 1,613,992 alleles (0.12%); highest among the groups gnomAD compares: Non-Finnish European, 0.024%; 17 homozygotes.

Submissions (2):

Labcorp Genetics (formerly Invitae), Labcorp
Classification: Benign. Last evaluated: 2025-09-02. Review status: criteria provided, single submitter. Criteria: Invitae Variant Classification Sherloc (09022015). Collection method: clinical testing. Allele origin: germline.

CeGaT Center for Human Genetics Tuebingen
Classification: Likely benign. Last evaluated: 2025-08-01. Review status: criteria provided, single submitter. Criteria: CeGaT Center For Human Genetics Tuebingen Variant Classification Criteria Version 2. Collection method: clinical testing. Allele origin: germline. Affected: yes. Observed: 1 variant allele.
Comment: LRRK1: BP4, BP7

NM_024652.6(LRRK1):c.1698G>A (p.Ser566=)

Gene: LRRK1 (leucine rich repeat kinase 1; plus strand). Cytogenetic location: 15q26.3.
Variant type: single nucleotide variant.
Coding change: c.1698G>A on transcript NM_024652.6 (MANE Select); coding-DNA position 1698, G replaced by A.
Protein change: p.Ser566=; no amino-acid change (serine 566 retained).
Molecular consequence: synonymous variant.
Genome position (GRCh38, 1-based): chr15:101,021,141, G>A. VCF-style: chr15-101021141-G-A. GRCh37 (hg19) VCF-style: chr15-101561346-G-A.
Identifiers: ClinVar variation 1591016 (VCV001591016.16), dbSNP rs182944219, ClinGen allele CA7760988.